The following is an entry in ClinVar:

ClinVar aggregate classification (germline): Uncertain significance (1 of 4 stars; one submission).

Submission:

Labcorp Genetics (formerly Invitae), Labcorp
Classification: Uncertain significance. Last evaluated: 2025-05-14. Review status: criteria provided, single submitter. Criteria: Invitae Variant Classification Sherloc (09022015). Collection method: clinical testing. Allele origin: germline.
Comment: This sequence change replaces glutamine, which is neutral and polar, with histidine, which is basic and polar, at codon 18 of the ATP6AP1 protein (p.Gln18His). This variant is not present in population databases (gnomAD no frequency). This variant has not been reported in the literature in individuals affected with ATP6AP1-related conditions. An algorithm developed to predict the effect of missense changes on protein structure and function (PolyPhen-2) suggests that this variant is likely to be tolerated. In summary, the available evidence is currently insufficient to determine the role of this variant in disease. Therefore, it has been classified as a Variant of Uncertain Significance.

NM_001183.6(ATP6AP1):c.54G>C (p.Gln18His)

Gene: ATP6AP1 (ATPase H+ transporting accessory protein 1; plus strand). Cytogenetic location: Xq28.
Variant type: single nucleotide variant.
Coding change: c.54G>C on transcript NM_001183.6 (MANE Select); coding-DNA position 54, G replaced by C.
Protein change: p.Gln18His; replaces glutamine 18 with histidine.
Molecular consequence: missense variant.
Genome position (GRCh38, 1-based): chrX:154,428,746, G>C. VCF-style: chrX-154428746-G-C. GRCh37 (hg19) VCF-style: chrX-153657092-G-C.
Other names: short protein forms Q18H.
Identifiers: ClinVar variation 4719245 (VCV004719245.1).
Genomic context (GRCh38, chrX:154,428,746, plus strand): 5'-TGAGGCTATGATGGCGGCCATGGCGACGGCTCGAGTGCGGATGGGGCCGCGGTGCGCCCA[G>C]GCGCTCTGGCGCATGCCGTGGCTGCCGGTGTTTTTGTCGTTGGCGGCGGCGGCGGCGGCG-3'
Protein context (NP_001174.2, residues 8-28): ARVRMGPRCA[Gln18His]ALWRMPWLPV